The following is an entry in ClinVar:

NM_001674.4(ATF3):c.44G>A (p.Ser15Asn)

Gene: ATF3 (activating transcription factor 3; plus strand). Cytogenetic location: 1q32.3.
Variant type: single nucleotide variant.
Coding change: c.44G>A on transcript NM_001674.4 (MANE Select); coding-DNA position 44, G replaced by A.
Protein change: p.Ser15Asn; replaces serine 15 with asparagine.
Molecular consequence: missense variant. On other transcripts: 5 prime UTR variant (1), splice acceptor variant (1), intron variant (1).
Genome position (GRCh38, 1-based): chr1:212,615,065, G>A. VCF-style: chr1-212615065-G-A. GRCh37 (hg19) VCF-style: chr1-212788407-G-A.
Other names: c.44G>A, p.Ser15Asn (NM_001030287.4, NM_001040619.3); c.-128G>A (NM_001206488.3); c.-127-1G>A (NM_001206484.3); c.39+5G>A (NM_001206486.2); short protein forms S15N.
Identifiers: ClinVar variation 4988286 (VCV004988286.1).

ClinVar aggregate classification (germline): Uncertain significance (1 of 4 stars; one submission).

Conditions:
ATF3-related disorder. Also called: ATF3-related condition.

gnomAD v4.1: 13 of 1,614,068 alleles (0.00081%); highest among the groups gnomAD compares: Non-Finnish European, 0.0011%; no homozygotes.

Submission:

PreventionGenetics, part of Exact Sciences
Classification: Uncertain significance for ATF3-related condition. Last evaluated: 2026-05-10. Review status: criteria provided, single submitter. Criteria: ACMG Guidelines, 2015. Collection method: clinical testing. Allele origin: germline.
Comment: The ATF3 c.44G>A variant is predicted to result in the amino acid substitution p.Ser15Asn. To our knowledge, this variant has not been reported in the literature. This variant is reported in 0.00088% of alleles in individuals of European (Non-Finnish) descent in gnomAD. At this time, the clinical significance of this variant is uncertain due to the absence of conclusive functional and genetic evidence.